The following is an entry in ClinVar:

ClinVar aggregate classification (germline): Uncertain significance. Review status: criteria provided, multiple submitters, no conflicts (2 of 4 stars). 3 submissions from 3 submitters: Uncertain significance (3). Last evaluated 2025-01-18.

Conditions:
Inborn genetic diseases. Identifiers: MedGen C0950123, MeSH D030342.
Achondrogenesis, type IA (ACG1A). Identifiers: Orphanet 932, Orphanet 93299, MedGen C0265273, MONDO:0008701, OMIM 200600.

Allele frequency attached by ClinVar (database versions not stated): TOPMed 0.00006; ESP Exome Variant Server 0.00008.
gnomAD v4.1: 52 of 1,614,088 alleles (0.0032%); highest among the groups gnomAD compares: Non-Finnish European, 0.0039%; no homozygotes.

Submissions (3):

Ambry Genetics
Classification: Uncertain significance for Inborn genetic diseases. Last evaluated: 2025-01-18. Review status: criteria provided, single submitter. Criteria: Ambry Variant Classification Scheme 2023. Collection method: clinical testing. Allele origin: germline.

Labcorp Genetics (formerly Invitae), Labcorp
Classification: Uncertain significance for Achondrogenesis, type IA. Last evaluated: 2022-07-28. Review status: criteria provided, single submitter. Criteria: Invitae Variant Classification Sherloc (09022015). Collection method: clinical testing. Allele origin: germline.
Comment: This variant is present in population databases (rs147530260, gnomAD 0.007%). This sequence change replaces histidine, which is basic and polar, with proline, which is neutral and non-polar, at codon 914 of the TRIP11 protein (p.His914Pro). This variant has not been reported in the literature in individuals affected with TRIP11-related conditions. ClinVar contains an entry for this variant (Variation ID: 884546). Algorithms developed to predict the effect of missense changes on protein structure and function are either unavailable or do not agree on the potential impact of this missense change (SIFT: "Not Available"; PolyPhen-2: "Possibly Damaging"; Align-GVGD: "Not Available"). In summary, the available evidence is currently insufficient to determine the role of this variant in disease. Therefore, it has been classified as a Variant of Uncertain Significance.

Illumina Laboratory Services, Illumina
Classification: Uncertain significance for Achondrogenesis, type IA. Last evaluated: 2018-01-13. Review status: criteria provided, single submitter. Criteria: ICSL Variant Classification Criteria 13 December 2019. Collection method: clinical testing. Allele origin: germline.

NM_004239.4(TRIP11):c.2741A>C (p.His914Pro)

Gene: TRIP11 (thyroid hormone receptor interactor 11; minus strand). Cytogenetic location: 14q32.12.
Variant type: single nucleotide variant.
Coding change: c.2741A>C on transcript NM_004239.4 (MANE Select); coding-DNA position 2741, A replaced by C.
Protein change: p.His914Pro; replaces histidine 914 with proline.
Molecular consequence: missense variant.
Genome position (GRCh38, 1-based): chr14:92,005,235, T>G on the plus strand (A>C on the coding strand, the complement: TRIP11 is on the minus strand). VCF-style: chr14-92005235-T-G. GRCh37 (hg19) VCF-style: chr14-92471579-T-G.
Other names: c.2738A>C, p.His913Pro (NM_001321851.1); short protein forms H913P, H914P.
Identifiers: ClinVar variation 884546 (VCV000884546.9), dbSNP rs147530260, ClinGen allele CA7313729.